The following is an entry in ClinVar:

ClinVar aggregate classification (germline): Uncertain significance (1 of 4 stars; one submission).

Submission:

GeneDx
Classification: Uncertain significance. Last evaluated: 2023-10-24. Review status: criteria provided, single submitter. Criteria: GeneDx Variant Classification Process June 2021. Collection method: clinical testing. Allele origin: germline. Affected: yes.
Comment: Not observed at significant frequency in large population cohorts (gnomAD); In silico analysis supports that this missense variant has a deleterious effect on protein structure/function; Has not been previously published as pathogenic or benign to our knowledge

NM_022893.4(BCL11A):c.539C>T (p.Thr180Ile)

Gene: BCL11A (BCL11 transcription factor A; minus strand). Cytogenetic location: 2p16.1.
Variant type: single nucleotide variant.
Coding change: c.539C>T on transcript NM_022893.4 (MANE Select); coding-DNA position 539, C replaced by T.
Protein change: p.Thr180Ile; replaces threonine 180 with isoleucine.
Molecular consequence: missense variant. On other transcripts: non-coding transcript variant (1).
Genome position (GRCh38, 1-based): chr2:60,462,373, G>A on the plus strand (C>T on the coding strand, the complement: BCL11A is on the minus strand). VCF-style: chr2-60462373-G-A. GRCh37 (hg19) VCF-style: chr2-60689508-G-A.
Other names: c.437C>T, p.Thr146Ile (NM_001363864.1, NM_001365609.1, NM_001405711.1 and 3 more transcripts); c.539C>T, p.Thr180Ile (NM_001405708.1, NM_001405709.1, NM_001405710.1 and 4 more transcripts); c.383C>T, p.Thr128Ile (NM_001405713.1, NM_001405714.1, NM_001405715.1 and 6 more transcripts); c.281C>T, p.Thr94Ile (NM_001405717.1, NM_001405718.1, NM_001405724.1 and 1 more transcripts); c.206C>T, p.Thr69Ile (NM_001405720.1, NM_001405721.1); c.83C>T, p.Thr28Ile (NM_001405725.1, NM_001405726.1, NM_001405727.1 and 2 more transcripts); short protein forms T128I, T146I, T180I, T28I, T69I, T94I.
Identifiers: ClinVar variation 3252183 (VCV003252183.1), dbSNP rs2466267958.
Genomic context (GRCh38, chr2:60,462,373, plus strand): 5'-TCTAAGTAGATTCTTAATCCATGAGTGTTCTGTGCGTGTTGCAAGAGAAACCATGCACTG[G>A]TGAATGGCTGTTTGCAAGTTGTACATGTGTAGCTGCTGGGCTCATCTTTACCTGCAAAAT-3'
Protein context (NP_075044.2, residues 170-190): YTCTTCKQPF[Thr180Ile]SAWFLLQHAQ